The following is an entry in ClinVar:

NM_020365.5(EIF2B3):c.581G>A (p.Arg194His)

Gene: EIF2B3 (eukaryotic translation initiation factor 2B subunit gamma; minus strand). Cytogenetic location: 1p34.1.
Variant type: single nucleotide variant.
Coding change: c.581G>A on transcript NM_020365.5 (MANE Select); coding-DNA position 581, G replaced by A.
Protein change: p.Arg194His; replaces arginine 194 with histidine.
Molecular consequence: missense variant.
Genome position (GRCh38, 1-based): chr1:44,897,430, C>T on the plus strand (G>A on the coding strand, the complement: EIF2B3 is on the minus strand). VCF-style: chr1-44897430-C-T. GRCh37 (hg19) VCF-style: chr1-45363102-C-T.
Other names: c.581G>A, p.Arg194His (NM_001166588.3, NM_001261418.2); short protein forms R194H.
Identifiers: ClinVar variation 1351743 (VCV001351743.4), dbSNP rs754587808, ClinGen allele CA823974.

ClinVar aggregate classification (germline): Uncertain significance (1 of 4 stars; one submission).

Allele frequency attached by ClinVar (database versions not stated): gnomAD exomes 0.00004; gnomAD 0.00003; ExAC 0.00004; TOPMed 0.00004.
gnomAD v4.1: 57 of 1,612,138 alleles (0.0035%); highest among the groups gnomAD compares: Non-Finnish European, 0.0042%; no homozygotes.

Submission:

Labcorp Genetics (formerly Invitae), Labcorp
Classification: Uncertain significance. Last evaluated: 2023-11-10. Review status: criteria provided, single submitter. Criteria: Invitae Variant Classification Sherloc (09022015). Collection method: clinical testing. Allele origin: germline.
Comment: This sequence change replaces arginine, which is basic and polar, with histidine, which is basic and polar, at codon 194 of the EIF2B3 protein (p.Arg194His). This variant is present in population databases (rs754587808, gnomAD 0.009%). This variant has not been reported in the literature in individuals affected with EIF2B3-related conditions. ClinVar contains an entry for this variant (Variation ID: 1351743). Advanced modeling of protein sequence and biophysical properties (such as structural, functional, and spatial information, amino acid conservation, physicochemical variation, residue mobility, and thermodynamic stability) performed at Invitae indicates that this missense variant is not expected to disrupt EIF2B3 protein function with a negative predictive value of 80%. In summary, the available evidence is currently insufficient to determine the role of this variant in disease. Therefore, it has been classified as a Variant of Uncertain Significance.